The following is an entry in ClinVar:

ClinVar aggregate classification (germline): Uncertain significance (1 of 4 stars; one submission).

Conditions:
Stormorken syndrome (STRMK). Also called: THROMBOCYTOPATHY, ASPLENIA, AND MIOSIS. Identifiers: Orphanet 3204, MedGen C1861451, MONDO:0008497, OMIM 185070.
Combined immunodeficiency due to STIM1 deficiency. Also called: IMMUNODEFICIENCY 10; STIM1 DEFICIENCY. Identifiers: Orphanet 169090, Orphanet 317430, MedGen C2748557, MONDO:0013008, OMIM 612783.
Myopathy with tubular aggregates (TAM). Also called: Tubular Aggregate Myopathy. Identifiers: Orphanet 2593, MedGen C0410207, MONDO:0008051.

Allele frequency attached by ClinVar (database versions not stated): ExAC 0.00001; gnomAD 0.00001; gnomAD exomes 0.00001; TOPMed 0.00001.
gnomAD v4.1: 20 of 1,613,896 alleles (0.0012%); highest among the groups gnomAD compares: Non-Finnish European, 0.0016%; no homozygotes.

Submission:

Labcorp Genetics (formerly Invitae), Labcorp
Classification: Uncertain significance for Myopathy with tubular aggregates; Combined immunodeficiency due to STIM1 deficiency; Stormorken syndrome. Last evaluated: 2023-11-27. Review status: criteria provided, single submitter. Criteria: Invitae Variant Classification Sherloc (09022015). Collection method: clinical testing. Allele origin: germline.
Comment: This sequence change replaces isoleucine, which is neutral and non-polar, with valine, which is neutral and non-polar, at codon 661 of the STIM1 protein (p.Ile661Val). This variant is present in population databases (rs759472644, gnomAD 0.006%). This variant has not been reported in the literature in individuals affected with STIM1-related conditions. Algorithms developed to predict the effect of missense changes on protein structure and function output the following: SIFT: "Not Available"; PolyPhen-2: "Benign"; Align-GVGD: "Not Available". The valine amino acid residue is found in multiple mammalian species, which suggests that this missense change does not adversely affect protein function. In summary, the available evidence is currently insufficient to determine the role of this variant in disease. Therefore, it has been classified as a Variant of Uncertain Significance.

NM_001382567.1(STIM1):c.2074A>G (p.Ile692Val)

Genes: STIM1 (stromal interaction molecule 1; plus strand), LOC124418421 (Sharpr-MPRA regulatory region 9588; plus strand). Cytogenetic location: 11p15.4.
Variant type: single nucleotide variant.
Coding change: c.2074A>G on transcript NM_001382567.1 (MANE Select); coding-DNA position 2074, A replaced by G.
Protein change: p.Ile692Val; replaces isoleucine 692 with valine.
Molecular consequence: missense variant. On other transcripts: 3 prime UTR variant (4), non-coding transcript variant (3).
Genome position (GRCh38, 1-based): chr11:4,091,721, A>G. VCF-style: chr11-4091721-A-G. GRCh37 (hg19) VCF-style: chr11-4112951-A-G.
Other names: c.1759A>G, p.Ile587Val (NM_001382576.1, NM_001382577.1, NM_001382575.1); c.*395A>G (NM_001382578.1, NM_001382579.1, NM_001382580.1 and 1 more transcripts); c.1492A>G, p.Ile498Val (NM_001382581.1); c.1981A>G, p.Ile661Val (NM_003156.4); c.2299A>G, p.Ile767Val (NM_001277961.3); c.2077A>G, p.Ile693Val (NM_001382566.1); c.2002A>G, p.Ile668Val (NM_001382568.1); c.1846A>G, p.Ile616Val (NM_001382569.1); and 2 more; short protein forms I498V, I587V, I616V, I692V, I693V, I501V, I661V, I767V.
Identifiers: ClinVar variation 2925865 (VCV002925865.3), dbSNP rs759472644, ClinGen allele CA5830659.